The following is an entry in ClinVar:

NM_004341.5(CAD):c.1487G>A (p.Arg496Gln)

Gene: CAD (carbamoyl-phosphate synthetase 2, aspartate transcarbamylase, and dihydroorotase; plus strand). Cytogenetic location: 2p23.3.
Variant type: single nucleotide variant.
Coding change: c.1487G>A on transcript NM_004341.5 (MANE Select); coding-DNA position 1487, G replaced by A.
Protein change: p.Arg496Gln; replaces arginine 496 with glutamine.
Molecular consequence: missense variant.
Genome position (GRCh38, 1-based): chr2:27,225,110, G>A. VCF-style: chr2-27225110-G-A. GRCh37 (hg19) VCF-style: chr2-27447978-G-A.
Other names: c.1487G>A, p.Arg496Gln (NM_001306079.2); short protein forms R496Q.
Identifiers: ClinVar variation 1946485 (VCV001946485.2), dbSNP rs753530814, ClinGen allele CA1572734.

ClinVar aggregate classification (germline): Uncertain significance (1 of 4 stars; one submission).

Allele frequency attached by ClinVar (database versions not stated): ExAC 0.00001; gnomAD 0.00001; gnomAD exomes 0.00001; TOPMed 0.00002.
gnomAD v4.1: 18 of 1,614,118 alleles (0.0011%); highest among the groups gnomAD compares: East Asian, 0.0045%; no homozygotes.

Submission:

Labcorp Genetics (formerly Invitae), Labcorp
Classification: Uncertain significance. Last evaluated: 2022-06-25. Review status: criteria provided, single submitter. Criteria: Invitae Variant Classification Sherloc (09022015). Collection method: clinical testing. Allele origin: germline.
Comment: This sequence change replaces arginine, which is basic and polar, with glutamine, which is neutral and polar, at codon 496 of the CAD protein (p.Arg496Gln). This variant is present in population databases (rs753530814, gnomAD no frequency). This variant has not been reported in the literature in individuals affected with CAD-related conditions. Algorithms developed to predict the effect of missense changes on protein structure and function output the following: SIFT: "Tolerated"; PolyPhen-2: "Benign"; Align-GVGD: "Class C0". The glutamine amino acid residue is found in multiple mammalian species, which suggests that this missense change does not adversely affect protein function. In summary, the available evidence is currently insufficient to determine the role of this variant in disease. Therefore, it has been classified as a Variant of Uncertain Significance.